The following is an entry in ClinVar:

ClinVar aggregate classification (germline): Likely pathogenic (1 of 4 stars; one submission).

Conditions:
Dilated cardiomyopathy 1G (CMD1G). Identifiers: Orphanet 154, MedGen C1858763, MONDO:0011400, OMIM 604145.
Autosomal recessive limb-girdle muscular dystrophy type 2J (LGMDR10). Also called: Limb-girdle muscular dystrophy, type 2J; MUSCULAR DYSTROPHY, LIMB-GIRDLE, AUTOSOMAL RECESSIVE 10. Identifiers: Orphanet 140922, MedGen C1837342, MONDO:0012127, OMIM 608807.

Submission:

Labcorp Genetics (formerly Invitae), Labcorp
Classification: Likely pathogenic for Dilated cardiomyopathy 1G; Autosomal recessive limb-girdle muscular dystrophy type 2J. Last evaluated: 2025-02-27. Review status: criteria provided, single submitter. Criteria: Invitae Variant Classification Sherloc (09022015). Collection method: clinical testing. Allele origin: germline.
Comment: This sequence change creates a premature translational stop signal (p.Leu22555Serfs*3) in the TTN gene. While this is not anticipated to result in nonsense mediated decay, it is expected to create a truncated TTN protein. This variant is not present in population databases (gnomAD no frequency). This premature translational stop signal has been observed in individual(s) with dilated cardiomyopathy (internal data). This variant is located in the A band of TTN (PMID: 25589632). Truncating variants in this region are significantly overrepresented in patients affected with dilated cardiomyopathy (PMID: 25589632). Truncating variants in this region have also been reported in individuals affected with autosomal recessive centronuclear myopathy (PMID: 23975875). In summary, the currently available evidence indicates that the variant is pathogenic, but additional data are needed to prove that conclusively. Therefore, this variant has been classified as Likely Pathogenic.

Literature cited by the submitters: PubMed 25589632; PubMed 23975875.

NM_001267550.2(TTN):c.67658dup (p.Leu22555fs)

Genes: TTN (titin; minus strand), TTN-AS1 (TTN antisense RNA 1; plus strand), LOC126806423 (CDK7 strongly-dependent group 2 enhancer GRCh37_chr2:179443309-179444508; plus strand). Cytogenetic location: 2q31.2.
Variant type: Duplication.
Coding change: c.67658dup on transcript NM_001267550.2 (MANE Select); coding-DNA position 67658, one base duplicated (A; older notation c.67658dupA).
Protein change: p.Leu22555fs; shifts the reading frame from leucine 22555.
Molecular consequence: frameshift variant.
Genome position (GRCh38, 1-based): chr2:178,579,372, T duplicated on the plus strand (A on the coding strand, the reverse complement: TTN is on the minus strand); the first of 3 consecutive T bases (chr2:178,579,372-178,579,374); duplicating any one gives the same sequence. VCF-style (leftmost placement, unchanged base first): chr2-178579371-C-CT. GRCh37 (hg19) VCF-style: chr2-179444098-C-CT.
Other names: c.62735dup, p.Leu20914fs (NM_001256850.1); c.40463dup, p.Leu13490fs (NM_003319.4); c.59954dup, p.Leu19987fs (NM_133378.4); c.40838dup, p.Leu13615fs (NM_133432.3); c.41039dup, p.Leu13682fs (NM_133437.4); short protein forms L22555fs, L13682fs, L20914fs, L13490fs, L13615fs, L19987fs.
Identifiers: ClinVar variation 4784149 (VCV004784149.1).